The following is an entry in ClinVar:

ClinVar aggregate classification (germline): Conflicting classifications of pathogenicity. Review status: criteria provided, conflicting classifications (1 of 4 stars). 3 submissions from 3 submitters: Uncertain significance (2); Likely benign (1). Last evaluated 2025-03-30.

Conditions:
Cardiomyopathy (CMYO). Also called: Cardiomyopathies. Identifiers: Orphanet 167848, MedGen C0878544, MONDO:0004994, HP:0001638. Inheritance: Various modes of inheritance.
Dilated cardiomyopathy 1G (CMD1G). Identifiers: Orphanet 154, MedGen C1858763, MONDO:0011400, OMIM 604145.
Autosomal recessive limb-girdle muscular dystrophy type 2J (LGMDR10). Also called: MUSCULAR DYSTROPHY, LIMB-GIRDLE, AUTOSOMAL RECESSIVE 10; Limb-girdle muscular dystrophy, type 2J. Identifiers: Orphanet 140922, MedGen C1837342, MONDO:0012127, OMIM 608807.

Allele frequency attached by ClinVar (database versions not stated): gnomAD 0.00001; gnomAD exomes 0.00001; ExAC 0.00002; TOPMed 0.00002.
gnomAD v4.1: 9 of 1,613,844 alleles (0.00056%); highest among the groups gnomAD compares: Admixed American, 0.0017%; no homozygotes.

Submissions (3):

Labcorp Genetics (formerly Invitae), Labcorp
Classification: Uncertain significance for Dilated cardiomyopathy 1G; Autosomal recessive limb-girdle muscular dystrophy type 2J. Last evaluated: 2025-03-30. Review status: criteria provided, single submitter. Criteria: Invitae Variant Classification Sherloc (09022015). Collection method: clinical testing. Allele origin: germline.
Comment: This sequence change replaces methionine, which is neutral and non-polar, with valine, which is neutral and non-polar, at codon 34673 of the TTN protein (p.Met34673Val). This variant is present in population databases (rs758352523, gnomAD 0.002%). This variant has not been reported in the literature in individuals affected with TTN-related conditions. ClinVar contains an entry for this variant (Variation ID: 691741). Experimental studies and prediction algorithms are not available or were not evaluated, and the functional significance of this variant is currently unknown. This variant is located in the M band of TTN (PMID: 25589632). Non-truncating variants in this region may be relevant for neuromuscular disorders, but have not been definitively shown to cause cardiomyopathy (PMID: 23975875). In summary, the available evidence is currently insufficient to determine the role of this variant in disease. Therefore, it has been classified as a Variant of Uncertain Significance.

Revvity Omics, Revvity
Classification: Uncertain significance. Last evaluated: 2024-05-30. Review status: criteria provided, single submitter. Criteria: ACMG Guidelines, 2015. Collection method: clinical testing. Allele origin: germline.

Center for Advanced Laboratory Medicine, UC San Diego Health, University of California San Diego
Classification: Likely benign for Cardiomyopathy. Last evaluated: 2017-09-08. Review status: criteria provided, single submitter. Criteria: ACMG Guidelines, 2015. Collection method: clinical testing. Allele origin: germline. Affected: yes. Observed: 1 variant allele.

Literature cited by the submitters: PubMed 25589632 (cited by Labcorp Genetics (formerly Invitae), Labcorp); PubMed 23975875 (cited by Labcorp Genetics (formerly Invitae), Labcorp).

NM_001267550.2(TTN):c.104017A>G (p.Met34673Val)

Genes: TTN-AS1 (TTN antisense RNA 1; plus strand), TTN (titin; minus strand). Cytogenetic location: 2q31.2.
Variant type: single nucleotide variant.
Coding change: c.104017A>G on transcript NM_001267550.2 (MANE Select); coding-DNA position 104017, A replaced by G.
Protein change: p.Met34673Val; replaces methionine 34673 with valine.
Molecular consequence: missense variant.
Genome position (GRCh38, 1-based): chr2:178,532,598, T>C on the plus strand (A>G on the coding strand, the complement: TTN is on the minus strand). VCF-style: chr2-178532598-T-C. GRCh37 (hg19) VCF-style: chr2-179397325-T-C.
Other names: c.99094A>G, p.Met33032Val (NM_001256850.1); c.76822A>G, p.Met25608Val (NM_003319.4); c.96313A>G, p.Met32105Val (NM_133378.4); c.77197A>G, p.Met25733Val (NM_133432.3); c.77398A>G, p.Met25800Val (NM_133437.4); short protein forms M25733V, M32105V, M34673V, M25608V, M25800V, M33032V.
Identifiers: ClinVar variation 691741 (VCV000691741.3), dbSNP rs758352523, ClinGen allele CA1985500.